The following is an entry in ClinVar:

ClinVar aggregate classification (germline): Uncertain significance. Review status: criteria provided, multiple submitters, no conflicts (2 of 4 stars). 2 submissions from 2 submitters: Uncertain significance (2). Last evaluated 2023-11-14.

Conditions:
Ciliary dyskinesia, primary, 39. Also called: CILIARY DYSKINESIA, PRIMARY, 39, WITH OR WITHOUT SITUS INVERSUS. Identifiers: MedGen C4748841, MONDO:0032637, OMIM 618254.

Allele frequency attached by ClinVar (database versions not stated): gnomAD 0.00045 and 0.00046; TOPMed 0.00045; 1000 Genomes Project 30x 0.00062; ExAC 0.00075; gnomAD exomes 0.00064; ESP Exome Variant Server 0.00038; 1000 Genomes Project 0.00060.
gnomAD v4.1: 925 of 1,610,794 alleles (0.057%); highest among the groups gnomAD compares: Middle Eastern, 0.12%; 1 homozygote.

Submissions (2):

Revvity Omics, Revvity
Classification: Uncertain significance for Ciliary dyskinesia, primary, 39. Last evaluated: 2023-11-14. Review status: criteria provided, single submitter. Criteria: ACMG Guidelines, 2015. Collection method: clinical testing. Allele origin: germline.

Labcorp Genetics (formerly Invitae), Labcorp
Classification: Uncertain significance. Last evaluated: 2022-02-28. Review status: criteria provided, single submitter. Criteria: Invitae Variant Classification Sherloc (09022015). Collection method: clinical testing. Allele origin: germline.
Comment: This sequence change replaces proline, which is neutral and non-polar, with histidine, which is basic and polar, at codon 305 of the LRRC56 protein (p.Pro305His). This variant is present in population databases (rs143185074, gnomAD 0.1%), and has an allele count higher than expected for a pathogenic variant. This variant has not been reported in the literature in individuals affected with LRRC56-related conditions. Algorithms developed to predict the effect of missense changes on protein structure and function are either unavailable or do not agree on the potential impact of this missense change (SIFT: "Tolerated"; PolyPhen-2: "Probably Damaging"; Align-GVGD: "Class C0"). In summary, the available evidence is currently insufficient to determine the role of this variant in disease. Therefore, it has been classified as a Variant of Uncertain Significance.

NM_198075.4(LRRC56):c.914C>A (p.Pro305His)

Gene: LRRC56 (leucine rich repeat containing 56; plus strand). Cytogenetic location: 11p15.5.
Variant type: single nucleotide variant.
Coding change: c.914C>A on transcript NM_198075.4 (MANE Select); coding-DNA position 914, C replaced by A.
Protein change: p.Pro305His; replaces proline 305 with histidine.
Molecular consequence: missense variant.
Genome position (GRCh38, 1-based): chr11:551,768, C>A. VCF-style: chr11-551768-C-A. GRCh37 (hg19) VCF-style: chr11-551768-C-A.
Other names: short protein forms P305H.
Identifiers: ClinVar variation 1386531 (VCV001386531.6), dbSNP rs143185074, ClinGen allele CA5779866.